The following is an entry in ClinVar:

ClinVar aggregate classification (germline): Benign. Review status: criteria provided, multiple submitters, no conflicts (2 of 4 stars). 3 submissions from 3 submitters: Benign (3). Last evaluated 2025-12-24.

Allele frequency attached by ClinVar (database versions not stated): gnomAD exomes 0.00170; ExAC 0.00215; gnomAD 0.00701; 1000 Genomes Project 0.00719; ESP Exome Variant Server 0.00723; TOPMed 0.00780; 1000 Genomes Project 30x 0.00843.
gnomAD v4.1: 2,041 of 1,614,194 alleles (0.13%); highest among the groups gnomAD compares: African/African-American, 2.5%; 21 homozygotes.

Submissions (3):

Labcorp Genetics (formerly Invitae), Labcorp
Classification: Benign. Last evaluated: 2025-12-24. Review status: criteria provided, single submitter. Criteria: Invitae Variant Classification Sherloc (09022015). Collection method: clinical testing. Allele origin: germline.

Mayo Clinic Laboratories, Mayo Clinic
Classification: Benign. Last evaluated: 2025-02-28. Review status: criteria provided, single submitter. Criteria: ACMG Guidelines, 2015. Collection method: clinical testing. Allele origin: germline. Observed: 3 variant alleles.
Comment: BS1, BS2, BP4_moderate

Breakthrough Genomics
Classification: Benign. Review status: criteria provided, single submitter. Criteria: ACMG Guidelines, 2015. Collection method: not provided. Allele origin: germline. Inheritance: Autosomal dominant inheritance. Affected: yes.

Literature cited by the submitters: PubMed 28686325 (cited by Mayo Clinic Laboratories, Mayo Clinic).

NM_001256071.3(RNF213):c.1407G>T (p.Gln469His)

Gene: RNF213 (ring finger protein 213; plus strand). Cytogenetic location: 17q25.3.
Variant type: single nucleotide variant.
Coding change: c.1407G>T on transcript NM_001256071.3 (MANE Select); coding-DNA position 1407, G replaced by T.
Protein change: p.Gln469His; replaces glutamine 469 with histidine.
Molecular consequence: missense variant.
Genome position (GRCh38, 1-based): chr17:80,291,763, G>T. VCF-style: chr17-80291763-G-T. GRCh37 (hg19) VCF-style: chr17-78265562-G-T.
Other names: p.Gln469His; c.1407G>T, p.Gln469His (NM_020954.4); short protein forms Q469H.
Identifiers: ClinVar variation 714864 (VCV000714864.12), dbSNP rs77239314, ClinGen allele CA8819553.